The following is an entry in ClinVar:

ClinVar aggregate classification (germline): Uncertain significance (1 of 4 stars; one submission).

Conditions:
Autosomal recessive early-onset Parkinson disease 6 (PARK6). Also called: PARKINSON DISEASE 6, MODIFIER OF; PARKINSON DISEASE 6, EARLY-ONSET; PINK1-Related Parkinson Disease; PINK1 Type of Young-Onset Parkinson Disease. Identifiers: Orphanet 2828, MedGen C1853833, MONDO:0011613, OMIM 605909.

Allele frequency attached by ClinVar (database versions not stated): ExAC 0.00002; gnomAD exomes 0.00002 and 0.00004; gnomAD 0.00007; TOPMed 0.00009.
gnomAD v4.1: 74 of 1,614,074 alleles (0.0046%); highest among the groups gnomAD compares: African/African-American, 0.011%; no homozygotes.

Submission:

Labcorp Genetics (formerly Invitae), Labcorp
Classification: Uncertain significance for Autosomal recessive early-onset Parkinson disease 6. Last evaluated: 2021-12-02. Review status: criteria provided, single submitter. Criteria: Invitae Variant Classification Sherloc (09022015). Collection method: clinical testing. Allele origin: germline.
Comment: This sequence change replaces alanine, which is neutral and non-polar, with threonine, which is neutral and polar, at codon 537 of the PINK1 protein (p.Ala537Thr). This variant is present in population databases (rs771032673, gnomAD 0.02%). This missense change has been observed in individual(s) with Parkinson disease (PMID: 18330912). Algorithms developed to predict the effect of missense changes on protein structure and function are either unavailable or do not agree on the potential impact of this missense change (SIFT: "Tolerated"; PolyPhen-2: "Possibly Damaging"; Align-GVGD: "Class C0"). In summary, the available evidence is currently insufficient to determine the role of this variant in disease. Therefore, it has been classified as a Variant of Uncertain Significance.

Literature cited by the submitters: PubMed 18330912.

NM_032409.3(PINK1):c.1609G>A (p.Ala537Thr)

Genes: PINK1 (PTEN induced kinase 1; plus strand), PINK1-AS (PINK1 antisense RNA; minus strand). Cytogenetic location: 1p36.12.
Variant type: single nucleotide variant.
Coding change: c.1609G>A on transcript NM_032409.3 (MANE Select); coding-DNA position 1609, G replaced by A.
Protein change: p.Ala537Thr; replaces alanine 537 with threonine.
Molecular consequence: missense variant. On other transcripts: non-coding transcript variant (1).
Genome position (GRCh38, 1-based): chr1:20,650,554, G>A. VCF-style: chr1-20650554-G-A. GRCh37 (hg19) VCF-style: chr1-20977047-G-A.
Other names: short protein forms A537T.
Identifiers: ClinVar variation 1345238 (VCV001345238.8), dbSNP rs771032673, ClinGen allele CA660894.
Genomic context (GRCh38, chr1:20,650,554, plus strand): 5'-CTAGCCCTGAAGAATCTGAAGTTAGACAAGATGGTTGGCTGGCTCCTCCAACAATCGGCC[G>A]CCACTTTGTTGGCCAACAGGCTCACAGAGAAGTGTTGTGTGGAAACAAAAATGAAGATGC-3'
Protein context (NP_115785.1, residues 527-547): MVGWLLQQSA[Ala537Thr]TLLANRLTEK